The following is an entry in ClinVar:

NM_001038603.3(MARVELD2):c.211A>G (p.Ile71Val)

Gene: MARVELD2 (MARVEL domain containing 2; plus strand). Cytogenetic location: 5q13.2.
Variant type: single nucleotide variant.
Coding change: c.211A>G on transcript NM_001038603.3 (MANE Select); coding-DNA position 211, A replaced by G.
Protein change: p.Ile71Val; replaces isoleucine 71 with valine.
Molecular consequence: missense variant.
Genome position (GRCh38, 1-based): chr5:69,419,596, A>G. VCF-style: chr5-69419596-A-G. GRCh37 (hg19) VCF-style: chr5-68715423-A-G.
Other names: c.211A>G, p.Ile71Val (NM_001244734.2); short protein forms I71V.
Identifiers: ClinVar variation 179959 (VCV000179959.12), dbSNP rs150773481, ClinGen allele CA185514.

ClinVar aggregate classification (germline): Conflicting classifications of pathogenicity. Review status: criteria provided, conflicting classifications (1 of 4 stars). 5 submissions from 5 submitters: Uncertain significance (1); Likely benign (4). Last evaluated 2025-09-23.

Conditions:
Inborn genetic diseases. Identifiers: MedGen C0950123, MeSH D030342.

Allele frequency attached by ClinVar (database versions not stated): gnomAD exomes 0.00007 and 0.00008; ExAC 0.00011; TOPMed 0.00013; gnomAD 0.00018 and 0.00020; 1000 Genomes Project 30x 0.00109; 1000 Genomes Project 0.00140.
gnomAD v4.1: 156 of 1,614,124 alleles (0.0097%); highest among the groups gnomAD compares: Middle Eastern, 0.28%; no homozygotes.

Submissions (5):

Ambry Genetics
Classification: Likely benign for Inborn genetic diseases. Last evaluated: 2025-09-23. Review status: criteria provided, single submitter. Criteria: Ambry Variant Classification Scheme 2023. Collection method: clinical testing. Allele origin: germline.

Blueprint Genetics
Classification: Likely benign. Last evaluated: 2024-11-07. Review status: criteria provided, single submitter. Criteria: ACMG Guidelines, 2015. Collection method: clinical testing. Allele origin: germline.

Labcorp Genetics (formerly Invitae), Labcorp
Classification: Uncertain significance. Last evaluated: 2022-03-10. Review status: criteria provided, single submitter. Criteria: Invitae Variant Classification Sherloc (09022015). Collection method: clinical testing. Allele origin: germline.
Comment: This sequence change replaces isoleucine, which is neutral and non-polar, with valine, which is neutral and non-polar, at codon 71 of the MARVELD2 protein (p.Ile71Val). This variant is present in population databases (rs150773481, gnomAD 0.04%). This variant has not been reported in the literature in individuals affected with MARVELD2-related conditions. ClinVar contains an entry for this variant (Variation ID: 179959). Algorithms developed to predict the effect of missense changes on protein structure and function output the following: SIFT: "Tolerated"; PolyPhen-2: "Benign"; Align-GVGD: "Class C0". The valine amino acid residue is found in multiple mammalian species, which suggests that this missense change does not adversely affect protein function. In summary, the available evidence is currently insufficient to determine the role of this variant in disease. Therefore, it has been classified as a Variant of Uncertain Significance.

GeneDx
Classification: Likely benign. Last evaluated: 2021-06-07. Review status: criteria provided, single submitter. Criteria: GeneDx Variant Classification Process June 2021. Collection method: clinical testing. Allele origin: germline. Affected: yes.

Laboratory for Molecular Medicine, Mass General Brigham Personalized Medicine
Classification: Likely benign. Last evaluated: 2014-08-19. Review status: criteria provided, single submitter. Criteria: LMM Criteria. Collection method: clinical testing. Allele origin: germline. Observed: 2 variant alleles.
Comment: Ile71Val in exon 2 of MARVELD2: This variant is not expected to have clinical si gnificance due to a lack of conservation across species, including mammals. Of n ote, 22 mammals have a valine (Val) at this position despite high nearby amino a cid conservation. In addition, computational prediction tools do not suggest a high likelihood of impact to the protein, and it has been identified in 3.6% (7/ 192) of Kenyan chromosomes by the 1000 Genomes Project (dbSNP rs150773481).